The following is an entry in ClinVar:

ClinVar aggregate classification (germline): Pathogenic (1 of 4 stars; one submission).

Conditions:
Agenesis of the corpus callosum with peripheral neuropathy (ACCPN). Also called: CHARLEVOIX DISEASE; POLYNEUROPATHY, SENSORIMOTOR, WITH OR WITHOUT AGENESIS OF THE CORPUS CALLOSUM; HMSN/ACC; Hereditary Motor and Sensory Neuropathy with Agenesis of the Corpus Callosum. Identifiers: Orphanet 1496, MedGen C0795950, MONDO:0000902, OMIM 218000. Disease mechanism: loss of function.

Submission:

Myriad Genetics, Inc.
Classification: Pathogenic for Agenesis of the corpus callosum with peripheral neuropathy. Last evaluated: 2023-12-09. Review status: criteria provided, single submitter. Criteria: Myriad Autosomal Dominant, Autosomal Recessive and X-Linked Classification Criteria (2023). Collection method: clinical testing. Allele origin: unknown.
Comment: NM_133647.1(SLC12A6):c.1294_1298del5(I432Gfs*7) is expected to be pathogenic in the context of Andermann syndrome. This variant is predicted to lead to an abnormal or absent protein product due to the creation of a premature termination codon in SLC12A6, a gene where loss-of-function variants are known to be pathogenic. Please note: this variant was assessed in the context of healthy population screening.

NM_001365088.1(SLC12A6):c.1294_1298del (p.Ile432fs)

Gene: SLC12A6 (solute carrier family 12 member 6; minus strand). Cytogenetic location: 15q14.
Variant type: Deletion.
Coding change: c.1294_1298del on transcript NM_001365088.1 (MANE Select); coding-DNA positions 1294 to 1298, 5 bases deleted (ATCCA; older notation c.1294_1298delATCCA).
Protein change: p.Ile432fs; shifts the reading frame from isoleucine 432.
Molecular consequence: frameshift variant.
Genome position (GRCh38, 1-based): chr15:34,252,205-34,252,209, TGGAT deleted on the plus strand (ATCCA on the coding strand, the reverse complement: SLC12A6 is on the minus strand); deleting any 5 consecutive bases within chr15:34,252,205-34,252,211 gives the same sequence; the c. name uses the placement nearest the transcript's 3' end. VCF-style (leftmost placement, unchanged base first): chr15-34252204-CTGGAT-C. GRCh37 (hg19) VCF-style: chr15-34544405-CTGGAT-C.
Other names: c.1117_1121del, p.Ile373fs (NM_001042494.2, NM_001042495.2); c.1267_1271del, p.Ile423fs (NM_001042496.2); c.1249_1253del, p.Ile417fs (NM_001042497.2); c.1141_1145del, p.Ile381fs (NM_005135.2); c.1294_1298del, p.Ile432fs (NM_133647.2); short protein forms I373fs, I381fs, I417fs, I423fs, I432fs.
Identifiers: ClinVar variation 5012554 (VCV005012554.1).